The following is an entry in ClinVar:

NM_000548.5(TSC2):c.5095del (p.Val1699fs)

Gene: TSC2 (TSC complex subunit 2; plus strand). Cytogenetic location: 16p13.3.
Variant type: Deletion.
Coding change: c.5095del on transcript NM_000548.5 (MANE Select); coding-DNA position 5095, one base deleted (G; older notation c.5095delG).
Protein change: p.Val1699fs; shifts the reading frame from valine 1699.
Molecular consequence: frameshift variant. On other transcripts: non-coding transcript variant (5).
Genome position (GRCh38, 1-based): chr16:2,088,074, G deleted. VCF-style (leftmost placement, unchanged base first): chr16-2088073-CG-C. GRCh37 (hg19) VCF-style: chr16-2138074-CG-C.
Other names: c.4894del, p.Val1632fs (NM_001077183.3); c.5026del, p.Val1676fs (NM_001114382.3); c.4786del, p.Val1596fs (NM_001318827.2); c.4750del, p.Val1584fs (NM_001318829.2); c.4363del, p.Val1455fs (NM_001318831.2); c.4927del, p.Val1643fs (NM_001318832.2); c.4897del, p.Val1633fs (NM_001363528.2); c.4963del, p.Val1655fs (NM_001370404.1); and 27 more; short protein forms V1098fs, V1184fs, V1185fs, V1207fs, V1208fs, V1228fs, V1432fs, V1433fs.
Identifiers: ClinVar variation 3237181 (VCV003237181.1), dbSNP rs2547519694.

ClinVar aggregate classification (germline): Likely pathogenic (1 of 4 stars; one submission).

Conditions:
Tuberous sclerosis 2 (TSC2). Identifiers: Orphanet 805, MedGen C1860707, MONDO:0013199, OMIM 613254.

Submission:

HUSP Clinical Genetics Laboratory, Hospital Universitario San Pedro De Logroño (HUSP)
Classification: Likely pathogenic for Tuberous sclerosis 2. Review status: criteria provided, single submitter. Criteria: ACMG Guidelines, 2015. Collection method: clinical testing. Allele origin: de novo. Inheritance: Autosomal dominant inheritance. Affected: yes. Observed: 1 variant allele.
Comment: It results in a delay of the termination codon of translation (p.Val1699TrpfsTer127). This variant is not detected in general population and has not been reported in pathogenic data bases. Pathogenic variants in TSC2 have been associated with Tuberous sclerosis (OMIM: 613254). This clinical entity is a multisystem disorder characterized by hamartomas in multiple organ systems, including the brain, skin, heart, kidneys, and lung. These changes can result in epilepsy, learning difficulties, behavioral problems, and renal failure, among other complications. This entity has autosomal dominant inheritance.